The following is an entry in ClinVar:

NM_014425.5(INVS):c.1429G>A (p.Glu477Lys)

Gene: INVS (inversin; plus strand). Cytogenetic location: 9q31.1.
Variant type: single nucleotide variant.
Coding change: c.1429G>A on transcript NM_014425.5 (MANE Select); coding-DNA position 1429, G replaced by A.
Protein change: p.Glu477Lys; replaces glutamic acid 477 with lysine.
Molecular consequence: missense variant. On other transcripts: non-coding transcript variant (1).
Genome position (GRCh38, 1-based): chr9:100,253,101, G>A. VCF-style: chr9-100253101-G-A. GRCh37 (hg19) VCF-style: chr9-103015383-G-A.
Other names: c.1429G>A (NM_014425.3, NM_014425.4); c.1141G>A, p.Glu381Lys (NM_001318381.2); c.451G>A, p.Glu151Lys (NM_001318382.2); short protein forms E151K, E381K, E477K.
Identifiers: ClinVar variation 1009687 (VCV001009687.8), dbSNP rs1832291428, ClinGen allele CA374365027.

ClinVar aggregate classification (germline): Uncertain significance. Review status: criteria provided, multiple submitters, no conflicts (2 of 4 stars). 3 submissions from 3 submitters: Uncertain significance (3). Last evaluated 2026-02-22.

Conditions:
INVS-related disorder. Also called: INVS-related condition.
Nephronophthisis. Also called: Juvenile Nephronophthisis. Identifiers: Orphanet 655, MedGen C0687120, MONDO:0019005, HP:0000090.

Allele frequency attached by ClinVar (database versions not stated): gnomAD exomes below 0.00001.

Submissions (3):

PreventionGenetics, part of Exact Sciences
Classification: Uncertain significance for INVS-related condition. Last evaluated: 2026-02-22. Review status: criteria provided, single submitter. Criteria: ACMG Guidelines, 2015. Collection method: clinical testing. Allele origin: germline.
Comment: The INVS c.1429G>A variant is predicted to result in the amino acid substitution p.Glu477Lys. To our knowledge, this variant has not been reported in the literature or in a large population database (gnomAD), indicating this variant is rare. At this time, the clinical significance of this variant is uncertain due to the absence of conclusive functional and genetic evidence.

GeneDx
Classification: Uncertain significance. Last evaluated: 2026-01-20. Review status: criteria provided, single submitter. Criteria: GeneDx Variant Classification Process June 2021. Collection method: clinical testing. Allele origin: germline.
Comment: Not observed at significant frequency in large population cohorts (gnomAD); In silico analysis suggests that this missense variant does not alter protein structure/function; Has not been previously published as pathogenic or benign to our knowledge

Labcorp Genetics (formerly Invitae), Labcorp
Classification: Uncertain significance for Nephronophthisis. Last evaluated: 2021-08-28. Review status: criteria provided, single submitter. Criteria: Invitae Variant Classification Sherloc (09022015). Collection method: clinical testing. Allele origin: germline.
Comment: This sequence change replaces glutamic acid with lysine at codon 477 of the INVS protein (p.Glu477Lys). The glutamic acid residue is highly conserved and there is a small physicochemical difference between glutamic acid and lysine. This variant is not present in population databases (ExAC no frequency). This variant has not been reported in the literature in individuals affected with INVS-related conditions. Algorithms developed to predict the effect of missense changes on protein structure and function are either unavailable or do not agree on the potential impact of this missense change (SIFT: "Deleterious"; PolyPhen-2: "Possibly Damaging"; Align-GVGD: "Class C0"). In summary, the available evidence is currently insufficient to determine the role of this variant in disease. Therefore, it has been classified as a Variant of Uncertain Significance.